The following is an entry in ClinVar:

ClinVar aggregate classification (germline): Uncertain significance (1 of 4 stars; one submission).

Conditions:
HIVEP2-related disorder. Also called: HIVEP2-related condition.

Submission:

PreventionGenetics, part of Exact Sciences
Classification: Uncertain significance for HIVEP2-related condition. Last evaluated: 2025-08-28. Review status: criteria provided, single submitter. Criteria: ACMG Guidelines, 2015. Collection method: clinical testing. Allele origin: germline.
Comment: The HIVEP2 c.2936T>A variant is predicted to result in the amino acid substitution p.Phe979Tyr. To our knowledge, this variant has not been reported in the literature or in gnomAD, indicating this variant is rare. At this time, the clinical significance of this variant is uncertain due to the absence of conclusive functional and genetic evidence.

NM_006734.4(HIVEP2):c.2936T>A (p.Phe979Tyr)

Gene: HIVEP2 (HIVEP zinc finger 2; minus strand). Cytogenetic location: 6q24.2.
Variant type: single nucleotide variant.
Coding change: c.2936T>A on transcript NM_006734.4 (MANE Select); coding-DNA position 2936, T replaced by A.
Protein change: p.Phe979Tyr; replaces phenylalanine 979 with tyrosine.
Molecular consequence: missense variant.
Genome position (GRCh38, 1-based): chr6:142,771,803, A>T on the plus strand (T>A on the coding strand, the complement: HIVEP2 is on the minus strand). VCF-style: chr6-142771803-A-T. GRCh37 (hg19) VCF-style: chr6-143092940-A-T.
Other names: short protein forms F979Y.
Identifiers: ClinVar variation 2629594 (VCV002629594.4), dbSNP rs771479565, ClinGen allele CA365907758.